The following is an entry in ClinVar:

ClinVar aggregate classification (germline): Uncertain significance. Review status: criteria provided, multiple submitters, no conflicts (2 of 4 stars). 3 submissions from 3 submitters: Uncertain significance (3). Last evaluated 2025-12-24.

Conditions:
Hereditary cancer-predisposing syndrome. Also called: Neoplastic Syndromes, Hereditary; Hereditary neoplastic syndrome; Tumor predisposition; Hereditary Cancer Syndrome. Identifiers: Orphanet 140162, MedGen C0027672, MeSH D009386, MONDO:0015356.
Neuroblastoma, susceptibility to, 3. Also called: ALK-Related Neuroblastic Tumor Susceptibility. Identifiers: Orphanet 635, MedGen C2751681, MONDO:0013083, OMIM 613014.

Allele frequency attached by ClinVar (database versions not stated): TOPMed below 0.00001; ExAC 0.00001; gnomAD 0.00001; gnomAD exomes 0.00001.
gnomAD v4.1: 11 of 1,614,120 alleles (0.00068%); highest among the groups gnomAD compares: Admixed American, 0.0033%; no homozygotes.

Submissions (3):

Labcorp Genetics (formerly Invitae), Labcorp
Classification: Uncertain significance for Neuroblastoma, susceptibility to, 3. Last evaluated: 2025-12-24. Review status: criteria provided, single submitter. Criteria: Invitae Variant Classification Sherloc (09022015). Collection method: clinical testing. Allele origin: germline.
Comment: This sequence change replaces valine, which is neutral and non-polar, with methionine, which is neutral and non-polar, at codon 811 of the ALK protein (p.Val811Met). This variant is present in population databases (rs771935814, gnomAD 0.004%). This variant has not been reported in the literature in individuals affected with ALK-related conditions. ClinVar contains an entry for this variant (Variation ID: 836307). An algorithm developed to predict the effect of missense changes on protein structure and function (PolyPhen-2) suggests that this variant is likely to be disruptive. In summary, the available evidence is currently insufficient to determine the role of this variant in disease. Therefore, it has been classified as a Variant of Uncertain Significance.

Ambry Genetics
Classification: Uncertain significance for Hereditary cancer-predisposing syndrome. Last evaluated: 2024-12-19. Review status: criteria provided, single submitter. Criteria: Ambry Variant Classification Scheme 2023. Collection method: clinical testing. Allele origin: germline.
Comment: The p.V811M variant (also known as c.2431G>A), located in coding exon 14 of the ALK gene, results from a G to A substitution at nucleotide position 2431. The valine at codon 811 is replaced by methionine, an amino acid with highly similar properties. This amino acid position is highly conserved in available vertebrate species. In addition, the in silico prediction for this alteration is inconclusive. Based on the available evidence, the clinical significance of this variant remains unclear.

Baylor Genetics
Classification: Uncertain significance for Neuroblastoma, susceptibility to, 3. Last evaluated: 2023-09-25. Review status: criteria provided, single submitter. Criteria: ACMG Guidelines, 2015. Collection method: clinical testing. Allele origin: unknown.

NM_004304.5(ALK):c.2431G>A (p.Val811Met)

Gene: ALK (ALK receptor tyrosine kinase; minus strand). Cytogenetic location: 2p23.2.
Variant type: single nucleotide variant.
Coding change: c.2431G>A on transcript NM_004304.5 (MANE Select); coding-DNA position 2431, G replaced by A.
Protein change: p.Val811Met; replaces valine 811 with methionine.
Molecular consequence: missense variant.
Genome position (GRCh38, 1-based): chr2:29,233,621, C>T on the plus strand (G>A on the coding strand, the complement: ALK is on the minus strand). VCF-style: chr2-29233621-C-T. GRCh37 (hg19) VCF-style: chr2-29456487-C-T.
Other names: short protein forms V811M.
Identifiers: ClinVar variation 836307 (VCV000836307.11), dbSNP rs771935814, ClinGen allele CA1594314.